The following is an entry in ClinVar:

NM_006231.4(POLE):c.4453C>T (p.Arg1485Cys)

Gene: POLE (DNA polymerase epsilon, catalytic subunit; minus strand). Cytogenetic location: 12q24.33.
Variant type: single nucleotide variant.
Coding change: c.4453C>T on transcript NM_006231.4 (MANE Select); coding-DNA position 4453, C replaced by T.
Protein change: p.Arg1485Cys; replaces arginine 1485 with cysteine.
Molecular consequence: missense variant.
Genome position (GRCh38, 1-based): chr12:132,643,322, G>A on the plus strand (C>T on the coding strand, the complement: POLE is on the minus strand). VCF-style: chr12-132643322-G-A. GRCh37 (hg19) VCF-style: chr12-133219908-G-A.
Other names: short protein forms R1485C.
Identifiers: ClinVar variation 473665 (VCV000473665.13), dbSNP rs969429633, ClinGen allele CA246304550.
Genomic context (GRCh38, chr12:132,643,322, plus strand): 5'-GGATGAAGATCCCGAAGAGCGCTTTGTGGGCCTGTGCGTGGTGGTACAGGTAGATATGGC[G>A]GATACTCCCTGGAGAAGGAAACAAGACCGTCACCCCAGATGTGTGGGAGGCAGGCACATG-3'
Protein context (NP_006222.2, residues 1475-1495): QFSYLEPGSI[Arg1485Cys]HIYLYHHAQA

ClinVar aggregate classification (germline): Uncertain significance. Review status: criteria provided, multiple submitters, no conflicts (2 of 4 stars). 3 submissions from 3 submitters: Uncertain significance (3). Last evaluated 2026-01-11.

Conditions:
Hereditary cancer-predisposing syndrome. Also called: Neoplastic Syndromes, Hereditary; Tumor predisposition; Hereditary Cancer Syndrome; Hereditary neoplastic syndrome. Identifiers: Orphanet 140162, MedGen C0027672, MeSH D009386, MONDO:0015356.

Allele frequency attached by ClinVar (database versions not stated): gnomAD 0.00001 and 0.00002; TOPMed 0.00002.
gnomAD v4.1: 21 of 1,613,914 alleles (0.0013%); highest among the groups gnomAD compares: East Asian, 0.016%; no homozygotes.

Submissions (3):

Labcorp Genetics (formerly Invitae), Labcorp
Classification: Uncertain significance. Last evaluated: 2026-01-11. Review status: criteria provided, single submitter. Criteria: Invitae Variant Classification Sherloc (09022015). Collection method: clinical testing. Allele origin: germline.
Comment: This sequence change replaces arginine, which is basic and polar, with cysteine, which is neutral and slightly polar, at codon 1485 of the POLE protein (p.Arg1485Cys). This variant is present in population databases (no rsID available, gnomAD 0.01%). This variant has not been reported in the literature in individuals affected with POLE-related conditions. ClinVar contains an entry for this variant (Variation ID: 473665). Invitae Evidence Modeling of protein sequence and biophysical properties (such as structural, functional, and spatial information, amino acid conservation, physicochemical variation, residue mobility, and thermodynamic stability) indicates that this missense variant is not expected to disrupt POLE protein function with a negative predictive value of 80%. In summary, the available evidence is currently insufficient to determine the role of this variant in disease. Therefore, it has been classified as a Variant of Uncertain Significance.

Ambry Genetics
Classification: Uncertain significance for Hereditary cancer-predisposing syndrome. Last evaluated: 2024-12-09. Review status: criteria provided, single submitter. Criteria: Ambry Variant Classification Scheme 2023. Collection method: clinical testing. Allele origin: germline.
Comment: The p.R1485C variant (also known as c.4453C>T), located in coding exon 35 of the POLE gene, results from a C to T substitution at nucleotide position 4453. The arginine at codon 1485 is replaced by cysteine, an amino acid with highly dissimilar properties. This amino acid position is highly conserved in available vertebrate species. In addition, the in silico prediction for this alteration is inconclusive. Based on the available evidence, the clinical significance of this variant remains unclear.

GeneDx
Classification: Uncertain significance. Last evaluated: 2019-05-03. Review status: criteria provided, single submitter. Criteria: GeneDx Variant Classification Process June 2021. Collection method: clinical testing. Allele origin: germline. Affected: yes.
Comment: Not observed at a significant frequency in large population cohorts (Lek et al., 2016); Has not been previously published as pathogenic or benign to our knowledge